The following is an entry in ClinVar:

NM_001077365.2(POMT1):c.1535T>A (p.Val512Glu)

Gene: POMT1 (protein O-mannosyltransferase 1; plus strand). Cytogenetic location: 9q34.13.
Variant type: single nucleotide variant.
Coding change: c.1535T>A on transcript NM_001077365.2 (MANE Select); coding-DNA position 1535, T replaced by A.
Protein change: p.Val512Glu; replaces valine 512 with glutamic acid.
Molecular consequence: missense variant. On other transcripts: non-coding transcript variant (10), intron variant (1).
Genome position (GRCh38, 1-based): chr9:131,519,437, T>A. VCF-style: chr9-131519437-T-A. GRCh37 (hg19) VCF-style: chr9-134394824-T-A.
Other names: c.1373T>A, p.Val458Glu (NM_001077366.2, NM_001353194.2); c.1535T>A, p.Val512Glu (NM_001136113.2); c.1184T>A, p.Val395Glu (NM_001136114.2, NM_001353195.2, NM_001374691.1 and 2 more transcripts); c.1601T>A, p.Val534Glu (NM_001353193.2, NM_007171.4); c.1445T>A, p.Val482Glu (NM_001353196.2); c.1439T>A, p.Val480Glu (NM_001353197.2, NM_001353198.2); c.1250T>A, p.Val417Glu (NM_001353199.2); c.1079T>A, p.Val360Glu (NM_001353200.2); and 4 more; short protein forms V417E, V482E, V135E, V458E, V512E, V395E, V508E, V360E.
Identifiers: ClinVar variation 2008005 (VCV002008005.4), dbSNP rs2539397175, ClinGen allele CA375312823.

ClinVar aggregate classification (germline): Uncertain significance (1 of 4 stars; one submission).

Conditions:
Walker-Warburg congenital muscular dystrophy. Also called: Muscular dystrophy-dystroglycanopathy, type A; Walker-Warburg syndrome. Identifiers: Orphanet 899, MedGen C0265221, MONDO:0000171.
Muscular dystrophy-dystroglycanopathy (congenital with impaired intellectual development), type B, 1. Also called: MUSCULAR DYSTROPHY, CONGENITAL, POMT1-RELATED; Muscular dystrophy-dystroglycanopathy (congenital with intellectual disability), type B1. Identifiers: MedGen C5436962, MONDO:0013159, OMIM 613155.
Autosomal recessive limb-girdle muscular dystrophy type 2K. Also called: MUSCULAR DYSTROPHY-DYSTROGLYCANOPATHY (LIMB-GIRDLE), TYPE C, 1; MUSCULAR DYSTROPHY, LIMB-GIRDLE, TYPE 2K. Identifiers: Orphanet 86812, MedGen C1836373, MONDO:0012248, OMIM 609308.

Submission:

Labcorp Genetics (formerly Invitae), Labcorp
Classification: Uncertain significance for Muscular dystrophy-dystroglycanopathy (congenital with impaired intellectual development), type B, 1; Walker-Warburg congenital muscular dystrophy; Autosomal recessive limb-girdle muscular dystrophy type 2K. Last evaluated: 2022-06-18. Review status: criteria provided, single submitter. Criteria: Invitae Variant Classification Sherloc (09022015). Collection method: clinical testing. Allele origin: germline.
Comment: In summary, the available evidence is currently insufficient to determine the role of this variant in disease. Therefore, it has been classified as a Variant of Uncertain Significance. Algorithms developed to predict the effect of missense changes on protein structure and function (SIFT, PolyPhen-2, Align-GVGD) all suggest that this variant is likely to be tolerated. This variant has not been reported in the literature in individuals affected with POMT1-related conditions. This variant is not present in population databases (gnomAD no frequency). This sequence change replaces valine, which is neutral and non-polar, with glutamic acid, which is acidic and polar, at codon 534 of the POMT1 protein (p.Val534Glu).